The following is an entry in ClinVar:

NM_000293.3(PHKB):c.1555dup (p.Thr519fs)

Gene: PHKB (phosphorylase kinase regulatory subunit beta; plus strand). Cytogenetic location: 16q12.1.
Variant type: Duplication.
Coding change: c.1555dup on transcript NM_000293.3 (MANE Select); coding-DNA position 1555, one base duplicated (A; older notation c.1555dupA).
Protein change: p.Thr519fs; shifts the reading frame from threonine 519.
Molecular consequence: frameshift variant.
Genome position (GRCh38, 1-based): chr16:47,641,639, A duplicated; the last of 3 consecutive A bases (chr16:47,641,637-47,641,639); duplicating any one gives the same sequence. VCF-style (leftmost placement, unchanged base first): chr16-47641636-C-CA. GRCh37 (hg19) VCF-style: chr16-47675547-C-CA.
Other names: c.1534dup, p.Thr512fs (NM_001031835.3); c.1555dup, p.Thr519fs (NM_001363837.1); short protein forms T512fs, T519fs.
Identifiers: ClinVar variation 3622438 (VCV003622438.2).

ClinVar aggregate classification (germline): Pathogenic (1 of 4 stars; one submission).

Conditions:
Glycogen storage disease IXb (GSD9B). Also called: GLYCOGENOSIS OF LIVER AND MUSCLE, AUTOSOMAL RECESSIVE; GSD IXb; PHOSPHORYLASE KINASE DEFICIENCY OF LIVER AND MUSCLE, AUTOSOMAL RECESSIVE. Identifiers: Orphanet 79240, MedGen C0543514, MONDO:0009868, OMIM 261750.

Submission:

Labcorp Genetics (formerly Invitae), Labcorp
Classification: Pathogenic for Glycogen storage disease IXb. Last evaluated: 2025-01-12. Review status: criteria provided, single submitter. Criteria: Invitae Variant Classification Sherloc (09022015). Collection method: clinical testing. Allele origin: germline.
Comment: This sequence change creates a premature translational stop signal (p.Thr519Asnfs*27) in the PHKB gene. It is expected to result in an absent or disrupted protein product. Loss-of-function variants in PHKB are known to be pathogenic (PMID: 9215682, 9326319). This variant is not present in population databases (gnomAD no frequency). This variant has not been reported in the literature in individuals affected with PHKB-related conditions. For these reasons, this variant has been classified as Pathogenic.

Literature cited by the submitters: PubMed 9215682; PubMed 9326319.